The following is an entry in ClinVar:

ClinVar aggregate classification (germline): Likely benign. Review status: criteria provided, multiple submitters, no conflicts (2 of 4 stars). 2 submissions from 2 submitters: Likely benign (2). Last evaluated 2025-10-01.

gnomAD v4.1: 1,338 of 1,608,482 alleles (0.083%); highest among the groups gnomAD compares: Non-Finnish European, 0.091%; 2 homozygotes.

Submissions (2):

CeGaT Center for Human Genetics Tuebingen
Classification: Likely benign. Last evaluated: 2025-10-01. Review status: criteria provided, single submitter. Criteria: CeGaT Center For Human Genetics Tuebingen Variant Classification Criteria Version 2. Collection method: clinical testing. Allele origin: germline. Affected: yes. Observed: 1 variant allele.
Comment: PIDD1: BP4, BP7

Blueprint Genetics
Classification: Likely benign. Last evaluated: 2024-11-25. Review status: criteria provided, single submitter. Criteria: ACMG Guidelines, 2015. Collection method: clinical testing. Allele origin: germline.

NM_145886.4(PIDD1):c.2016C>T (p.Phe672=)

Gene: PIDD1 (p53-induced death domain protein 1; minus strand). Cytogenetic location: 11p15.5.
Variant type: single nucleotide variant.
Coding change: c.2016C>T on transcript NM_145886.4 (MANE Select); coding-DNA position 2016, C replaced by T.
Protein change: p.Phe672=; no amino-acid change (phenylalanine 672 retained).
Molecular consequence: synonymous variant.
Genome position (GRCh38, 1-based): chr11:800,568, G>A on the plus strand (C>T on the coding strand, the complement: PIDD1 is on the minus strand). VCF-style: chr11-800568-G-A. GRCh37 (hg19) VCF-style: chr11-800568-G-A.
Other names: c.2016C>T, p.Phe672= (NM_145887.4).
Identifiers: ClinVar variation 4533752 (VCV004533752.7).